The following is an entry in ClinVar:

NM_018896.5(CACNA1G):c.2592C>T (p.Asn864=)

Gene: CACNA1G (calcium voltage-gated channel subunit alpha1 G; plus strand). Cytogenetic location: 17q21.33.
Variant type: single nucleotide variant.
Coding change: c.2592C>T on transcript NM_018896.5 (MANE Select); coding-DNA position 2592, C replaced by T.
Protein change: p.Asn864=; no amino-acid change (asparagine 864 retained).
Molecular consequence: synonymous variant. On other transcripts: non-coding transcript variant (5).
Genome position (GRCh38, 1-based): chr17:50,591,573, C>T. VCF-style: chr17-50591573-C-T. GRCh37 (hg19) VCF-style: chr17-48668934-C-T.
Other names: c.2592C>T, p.Asn864= (NM_001256324.2, NM_001256325.2, NM_001256326.2 and 24 more transcripts).
Identifiers: ClinVar variation 718462 (VCV000718462.18), dbSNP rs58513165, ClinGen allele CA8652455.

ClinVar aggregate classification (germline): Benign/Likely benign. Review status: criteria provided, multiple submitters, no conflicts (2 of 4 stars). 3 submissions from 3 submitters: Benign (1); Likely benign (2). Last evaluated 2026-09-01.

Allele frequency attached by ClinVar (database versions not stated): 1000 Genomes Project 30x 0.00016; 1000 Genomes Project 0.00020; gnomAD exomes 0.00065 and 0.00102; TOPMed 0.00067; gnomAD 0.00070 and 0.00074; ExAC 0.00081; ESP Exome Variant Server 0.00085.
gnomAD v4.1: 1,144 of 1,613,246 alleles (0.071%); highest among the groups gnomAD compares: Non-Finnish European, 0.032%; 5 homozygotes.

Submissions (3):

CeGaT Center for Human Genetics Tuebingen
Classification: Likely benign. Last evaluated: 2026-09-01. Review status: criteria provided, single submitter. Criteria: CeGaT Center For Human Genetics Tuebingen Variant Classification Criteria Version 2. Collection method: clinical testing. Allele origin: germline. Affected: yes. Observed: 2 variant alleles.
Comment: CACNA1G: BP4, BP7, BS1

Labcorp Genetics (formerly Invitae), Labcorp
Classification: Benign. Last evaluated: 2025-12-06. Review status: criteria provided, single submitter. Criteria: Invitae Variant Classification Sherloc (09022015). Collection method: clinical testing. Allele origin: germline.

Blueprint Genetics
Classification: Likely benign. Last evaluated: 2024-09-13. Review status: criteria provided, single submitter. Criteria: ACMG Guidelines, 2015. Collection method: clinical testing. Allele origin: germline.